The following is an entry in ClinVar:

NM_001378454.1(ALMS1):c.4720G>A (p.Gly1574Arg)

Gene: ALMS1 (ALMS1 centrosome and basal body associated protein; plus strand). Cytogenetic location: 2p13.1.
Variant type: single nucleotide variant.
Coding change: c.4720G>A on transcript NM_001378454.1 (MANE Select); coding-DNA position 4720, G replaced by A.
Protein change: p.Gly1574Arg; replaces glycine 1574 with arginine.
Molecular consequence: missense variant.
Genome position (GRCh38, 1-based): chr2:73,451,247, G>A. VCF-style: chr2-73451247-G-A. GRCh37 (hg19) VCF-style: chr2-73678374-G-A.
Other names: c.4723G>A, p.Gly1575Arg (NM_015120.4); short protein forms G1574R, G1575R.
Identifiers: ClinVar variation 2081469 (VCV002081469.3), dbSNP rs752902461, ClinGen allele CA1713751.
Genomic context (GRCh38, chr2:73,451,247, plus strand): 5'-CCTGGACCAGCTGACCAGACAACTGGCATACCAACCATAACCTCTACTTCCTACTCATTT[G>A]GAGAGAAGCCGATTGTTAACTACAAACAGGCCTTTCCAGATGGTCATCTACCTGAAGAGG-3'
Protein context (NP_001365383.1, residues 1564-1584): PTITSTSYSF[Gly1574Arg]EKPIVNYKQA

ClinVar aggregate classification (germline): Uncertain significance (1 of 4 stars; one submission).

Conditions:
Alstrom syndrome (ALMS). Identifiers: Orphanet 64, MedGen C0268425, MONDO:0008763, OMIM 203800.

Allele frequency attached by ClinVar (database versions not stated): gnomAD exomes below 0.00001; ExAC 0.00001.
gnomAD v4.1: 4 of 1,612,736 alleles (0.00025%); highest among the groups gnomAD compares: Non-Finnish European, 0.00034%; no homozygotes.

Submission:

Labcorp Genetics (formerly Invitae), Labcorp
Classification: Uncertain significance for Alstrom syndrome. Last evaluated: 2024-10-24. Review status: criteria provided, single submitter. Criteria: Invitae Variant Classification Sherloc (09022015). Collection method: clinical testing. Allele origin: germline.
Comment: This sequence change replaces glycine, which is neutral and non-polar, with arginine, which is basic and polar, at codon 1575 of the ALMS1 protein (p.Gly1575Arg). This variant is present in population databases (rs752902461, gnomAD 0.0009%). This variant has not been reported in the literature in individuals affected with ALMS1-related conditions. ClinVar contains an entry for this variant (Variation ID: 2081469). Experimental studies and prediction algorithms are not available or were not evaluated, and the functional significance of this variant is currently unknown. In summary, the available evidence is currently insufficient to determine the role of this variant in disease. Therefore, it has been classified as a Variant of Uncertain Significance.